The following is an entry in ClinVar:

NM_138694.4(PKHD1):c.2638C>T (p.Arg880Cys)

Gene: PKHD1 (PKHD1 ciliary IPT domain containing fibrocystin/polyductin; minus strand). Cytogenetic location: 6p12.2.
Variant type: single nucleotide variant.
Coding change: c.2638C>T on transcript NM_138694.4 (MANE Select); coding-DNA position 2638, C replaced by T.
Protein change: p.Arg880Cys; replaces arginine 880 with cysteine.
Molecular consequence: missense variant.
Genome position (GRCh38, 1-based): chr6:52,045,043, G>A on the plus strand (C>T on the coding strand, the complement: PKHD1 is on the minus strand). VCF-style: chr6-52045043-G-A. GRCh37 (hg19) VCF-style: chr6-51909841-G-A.
Other names: c.2638C>T, p.Arg880Cys (NM_170724.3); short protein forms R880C.
Identifiers: ClinVar variation 908310 (VCV000908310.20), dbSNP rs752646435, ClinGen allele CA3853154.
Genomic context (GRCh38, chr6:52,045,043, plus strand): 5'-CAGTAGCCAACATGTCTCCAAATATGGGTCCAAGAAAAACTCCACCATCATATACCACAC[G>A]CGTGGCTGCAGCAGGATTCACTCCAGTAAGGTTTTCATCAGAGACCTGAGATGGTTACAT-3'
Protein context (NP_619639.3, residues 870-890): LTGVNPAAAT[Arg880Cys]VVYDGGVFLG

ClinVar aggregate classification (germline): Conflicting classifications of pathogenicity. Review status: criteria provided, conflicting classifications (1 of 4 stars). 6 submissions from 6 submitters: Likely pathogenic (1); Uncertain significance (4). 1 of the submissions does not count toward it. Last evaluated 2026-02-14.

Conditions:
PKHD1-related disorder. Also called: PKHD1-related condition.
Polycystic kidney disease 4 (PKD4). Also called: Autosomal Recessive Polycystic Kidney Disease – PKHD1; PKD3; POLYCYSTIC KIDNEY DISEASE 4 WITH OR WITHOUT POLYCYSTIC LIVER DISEASE; POLYCYSTIC KIDNEY AND HEPATIC DISEASE 1; POLYCYSTIC KIDNEY DISEASE, INFANTILE, TYPE I. Identifiers: MedGen C4540575, MONDO:0033004, OMIM 263200.
Autosomal recessive polycystic kidney disease (ARPKD). Also called: AR polycystic kidney disease. Identifiers: Orphanet 731, Orphanet 8378, MedGen C0085548, MeSH D017044, MONDO:0009889.

Allele frequency attached by ClinVar (database versions not stated): gnomAD 0.00001 and 0.00003; ExAC 0.00003; gnomAD exomes 0.00003 and 0.00004; TOPMed 0.00003.
gnomAD v4.1: 52 of 1,612,726 alleles (0.0032%); highest among the groups gnomAD compares: South Asian, 0.041%; no homozygotes.

Submissions (6):

PreventionGenetics, part of Exact Sciences
Classification: Uncertain significance for PKHD1-related condition. Last evaluated: 2026-02-14. Review status: criteria provided, single submitter. Criteria: ACMG Guidelines, 2015. Collection method: clinical testing. Allele origin: germline.
Comment: The PKHD1 c.2638C>T variant is predicted to result in the amino acid substitution p.Arg880Cys. To our knowledge, this variant has not been reported in the literature. Of note, a different substitution at the same codon, defined as c.2639G>C (p.Arg880Pro), was reported with a common pathogenic variant c.107C>T (p.Thr36Met) in an individual with polycystic kidney disease (PKD), but the pathogenicity of this variant was not conclusively determined (Supplementary Table S3 and S4, Burgmaier et al. 2021. PubMed ID: 33940108). The c.2638C>T (p.Arg880Cys) variant is reported in 0.029% of alleles in individuals of South Asian descent in gnomAD. Although we suspect that this variant may be pathogenic, at this time, the clinical significance of this variant is uncertain due to the absence of conclusive functional and genetic evidence.

Labcorp Genetics (formerly Invitae), Labcorp
Classification: Likely pathogenic for Autosomal recessive polycystic kidney disease. Last evaluated: 2025-07-07. Review status: criteria provided, single submitter. Criteria: Invitae Variant Classification Sherloc (09022015). Collection method: clinical testing. Allele origin: germline.
Comment: This sequence change replaces arginine, which is basic and polar, with cysteine, which is neutral and slightly polar, at codon 880 of the PKHD1 protein (p.Arg880Cys). This variant is present in population databases (rs752646435, gnomAD 0.03%). This variant has not been reported in the literature in individuals affected with PKHD1-related conditions. ClinVar contains an entry for this variant (Variation ID: 908310). Invitae Evidence Modeling of protein sequence and biophysical properties (such as structural, functional, and spatial information, amino acid conservation, physicochemical variation, residue mobility, and thermodynamic stability) indicates that this missense variant is expected to disrupt PKHD1 protein function with a positive predictive value of 95%. This variant disrupts the p.Arg880 amino acid residue in PKHD1. Other variant(s) that disrupt this residue have been determined to be pathogenic (PMID: 33940108). This suggests that this residue is clinically significant, and that variants that disrupt this residue are likely to be disease-causing. In summary, the currently available evidence indicates that the variant is pathogenic, but additional data are needed to prove that conclusively. Therefore, this variant has been classified as Likely Pathogenic.

Fulgent Genetics
Classification: Uncertain significance for Polycystic kidney disease 4. Last evaluated: 2024-02-01. Review status: criteria provided, single submitter. Criteria: ACMG Guidelines, 2015. Collection method: clinical testing. Allele origin: germline.

Illumina Laboratory Services, Illumina
Classification: Uncertain significance for Polycystic kidney disease 4. Last evaluated: 2018-01-13. Review status: criteria provided, single submitter. Criteria: ICSL Variant Classification Criteria 13 December 2019. Collection method: clinical testing. Allele origin: germline.

Kasturba Medical College, Manipal, Kasturba Medical College, Manipal, Manipal Academy of Higher Education, Manipal, India
Classification: Uncertain significance for Polycystic kidney disease 4. Review status: criteria provided, single submitter. Criteria: ACMG Guidelines, 2015. Collection method: research. Allele origin: germline. Inheritance: Autosomal recessive inheritance. Affected: yes. Observed: 1 heterozygote.
Comment: The variant, c.2638C>T is not found in homozygous state in population database gnomAD (v4.1.0) and in our in-house database of 3557 exomes.

Natera, Inc.
Classification: Uncertain significance for Autosomal recessive polycystic kidney disease. Last evaluated: 2018-09-20. Review status: no assertion criteria provided. Collection method: clinical testing. Allele origin: germline. Not counted in ClinVar's aggregate classification.

Literature cited by the submitters: PubMed 33940108 (cited by Labcorp Genetics (formerly Invitae), Labcorp); PubMed 19914852 (cited by Kasturba Medical College, Manipal, Kasturba Medical College, Manipal, Manipal Academy of Higher Education, Manipal, India).